The following is an entry in ClinVar:

ClinVar aggregate classification (germline): Uncertain significance (1 of 4 stars; one submission).

Submission:

Ambry Genetics
Classification: Uncertain significance. Last evaluated: 2026-05-14. Review status: criteria provided, single submitter. Criteria: Ambry Variant Classification Scheme 2023. Collection method: clinical testing. Allele origin: germline.
Comment: The p.E135D variant (also known as c.405A>T), located in coding exon 4 of the RAD51B gene, results from an A to T substitution at nucleotide position 405. The glutamic acid at codon 135 is replaced by aspartic acid, an amino acid with highly similar properties. This amino acid position is conserved. In addition, this alteration is predicted to be tolerated by in silico analysis. Based on the available evidence, the clinical significance of this variant remains unclear.

NM_133510.4(RAD51B):c.405A>T (p.Glu135Asp)

Gene: RAD51B (RAD51 paralog B; plus strand). Cytogenetic location: 14q24.1.
Variant type: single nucleotide variant.
Coding change: c.405A>T on transcript NM_133510.4 (MANE Select); coding-DNA position 405, A replaced by T.
Protein change: p.Glu135Asp; replaces glutamic acid 135 with aspartic acid.
Molecular consequence: missense variant.
Genome position (GRCh38, 1-based): chr14:67,865,092, A>T. VCF-style: chr14-67865092-A-T. GRCh37 (hg19) VCF-style: chr14-68331809-A-T.
Other names: c.405A>T, p.Glu135Asp (NM_001321809.2, NM_001321810.2, NM_001321812.1 and 6 more transcripts); c.291A>T, p.Glu97Asp (NM_001321815.1); c.48A>T, p.Glu16Asp (NM_001321817.2); short protein forms E135D, E16D, E97D.
Identifiers: ClinVar variation 4862909 (VCV004862909.1).